The following is an entry in ClinVar:

GRCh38/hg38 5p13.3(chr5:32107275-32159411)x3

Genes: GOLPH3 (golgi phosphoprotein 3; minus strand), PDZD2 (PDZ domain containing 2; plus strand), LOC126807344 (CDK7 strongly-dependent group 2 enhancer GRCh37_chr5:32125750-32126949; plus strand). Cytogenetic location: 5p13.3.
Variant type: copy number gain.
Change: copy number 3 (three copies instead of two) of chr5:32,107,275-32,159,411 (52.1 kb, GRCh38 coordinates, 1-based), cytogenetic band 5p13.3.
Identifiers: ClinVar variation 221810 (VCV000221810.3).

ClinVar aggregate classification (germline): Benign. Review status: criteria provided, single submitter (1 of 4 stars). 3 submissions from 2 submitters: Benign (1). 2 of the submissions do not count toward it. Last evaluated 2015-01-07.

Conditions:
Gestational diabetes mellitus uncontrolled. Identifiers: MedGen C3532257.
Premature ovarian insufficiency (POF). Also called: Premature ovarian failure. Identifiers: MedGen C4303540, HP:0008209.
Normal pregnancy. Identifiers: MedGen C0232989.

Submissions (3):

Department of Biotechnology, Institute of Molecular and Cell Biology, University of Tartu
Classification: Benign for Primary ovarian failure. Last evaluated: 2015-01-07. Review status: criteria provided, single submitter. Criteria: ACMG CNV Guidelines, 2011. Collection method: reference population. Allele origin: unknown. Affected: yes. Observed: 1 variant allele.

Institute of Molecular and Cell Biology, University of Tartu
No classification provided. Condition: Normal pregnancy. Review status: no classification provided. Collection method: case-control. Allele origin: unknown. Affected: yes. Study: Kasak2014. Not counted in ClinVar's aggregate classification.
Comment: The study aimed to determine the contribution of copy number variants in the genetic etiology of normal and complicated pregnancies. The samples represented (i) maternal blood DNA drawn from healthy pregnant women during 1st or 2nd trimester and (ii) maternal and paternal blood DNA drawn at term pregnancy cases representing normal and complicated gestations (severe preeclampsia, PE; gestational diabetes, GD; small-for-gestational age newborn, SGA; large-for-gestational age newborn, LGA). We performed CNV calling based on genome-wide genotyping dataset (Illumina HumanOmniExpress-24-v1 BeadChip) by applying three algorithms, QuantiSNP, GADA (Genome Alteration Detection Algorithm) and CNstream in parallel. The acquired CNV calls were merged with HD-CNV (Hotspot Detector for Copy Number Variants) program and only the CNVs predicted by at least two programs, were considered in subsequent analysis.

Institute of Molecular and Cell Biology, University of Tartu
No classification provided. Condition: Gestational diabetes mellitus uncontrolled. Review status: no classification provided. Collection method: case-control. Allele origin: unknown. Affected: yes. Study: Kasak2014. Not counted in ClinVar's aggregate classification.
Comment: the same text as in the submission from Institute of Molecular and Cell Biology, University of Tartu above.

Literature cited by the submitters: PubMed 25666259 (cited by Institute of Molecular and Cell Biology, University of Tartu).